The following is an entry in ClinVar:

NM_001267550.2(TTN):c.33305G>A (p.Arg11102His)

Gene: TTN (titin; minus strand). Cytogenetic location: 2q31.2.
Variant type: single nucleotide variant.
Coding change: c.33305G>A on transcript NM_001267550.2 (MANE Select); coding-DNA position 33305, G replaced by A.
Protein change: p.Arg11102His; replaces arginine 11102 with histidine.
Molecular consequence: missense variant. On other transcripts: intron variant (3).
Genome position (GRCh38, 1-based): chr2:178,681,114, C>T on the plus strand (G>A on the coding strand, the complement: TTN is on the minus strand). VCF-style: chr2-178681114-C-T. GRCh37 (hg19) VCF-style: chr2-179545841-C-T.
Other names: p.Arg10785His; c.29573G>A, p.Arg9858His (NM_133378.4); c.32354G>A, p.Arg10785His (NM_001256850.1); c.13283-38797G>A (NM_003319.4); c.13859-38797G>A (NM_133437.4); c.13658-38797G>A (NM_133432.3); short protein forms R11102H, R9858H, R10785H.
Identifiers: ClinVar variation 229421 (VCV000229421.21), dbSNP rs368777046, ClinGen allele CA1998392.

ClinVar aggregate classification (germline): Conflicting classifications of pathogenicity. Review status: criteria provided, conflicting classifications (1 of 4 stars). 12 submissions from 8 submitters: Uncertain significance (7); Benign (2); Likely benign (3). Last evaluated 2026-05-12.

Conditions:
TTN-related disorder. Also called: TTN-related disorders; TTN-related condition; TTN-related disease.
Dilated cardiomyopathy 1G (CMD1G). Identifiers: Orphanet 154, MedGen C1858763, MONDO:0011400, OMIM 604145.
Autosomal recessive limb-girdle muscular dystrophy type 2J (LGMDR10). Also called: Limb-girdle muscular dystrophy, type 2J; MUSCULAR DYSTROPHY, LIMB-GIRDLE, AUTOSOMAL RECESSIVE 10. Identifiers: Orphanet 140922, MedGen C1837342, MONDO:0012127, OMIM 608807.
Early-onset myopathy with fatal cardiomyopathy (CMYO5). Also called: CONGENITAL MYOPATHY 5 WITH CARDIOMYOPATHY; Salih Myopathy. Identifiers: Orphanet 289377, MedGen C2673677, MONDO:0012714, OMIM 611705. Disease mechanism: loss of function.
Myopathy, myofibrillar, 9, with early respiratory failure (MFM9). Also called: Myopathy, distal, with early respiratory failure, autosomal dominant; MYOPATHY, PROXIMAL, WITH EARLY RESPIRATORY MUSCLE INVOLVEMENT; Hereditary myopathy with early respiratory failure; EDSTROM MYOPATHY. Identifiers: Orphanet 178464, Orphanet 34521, MedGen C1863599, MONDO:0011362, OMIM 603689.
Tibial muscular dystrophy (TMD). Also called: Tibial muscular dystrophy, tardive; Udd Distal Myopathy – Tibial Muscular Dystrophy; UDD MYOPATHY. Identifiers: Orphanet 609, MedGen C1838244, MONDO:0010870, OMIM 600334.

Allele frequency attached by ClinVar (database versions not stated): gnomAD exomes 0.00005 and 0.00006; ExAC 0.00007; ESP Exome Variant Server 0.00009; gnomAD 0.00009; 1000 Genomes Project 30x 0.00016; 1000 Genomes Project 0.00020; TOPMed 0.00021.
gnomAD v4.1: 103 of 1,604,824 alleles (0.0064%); highest among the groups gnomAD compares: Admixed American, 0.017%; no homozygotes.

Submissions (12):

PreventionGenetics, part of Exact Sciences
Classification: Uncertain significance for TTN-related condition. Last evaluated: 2026-05-12. Review status: criteria provided, single submitter. Criteria: ACMG Guidelines, 2015. Collection method: clinical testing. Allele origin: germline.
Comment: The TTN c.33305G>A variant is predicted to result in the amino acid substitution p.Arg11102His. This variant has been reported as a variant of uncertain significance in one individual with hypertrophic cardiomyopathy (referred to as p.Arg9858His in the alternate transcript NM_133378.4 in Supplementary file 2, van Lint et al. 2019. PubMed ID: 30847666). This variant is reported in 0.017% of alleles in individuals of African descent in gnomAD. At this time, the clinical significance of this variant is uncertain due to the absence of conclusive functional and genetic evidence.

Mayo Clinic Laboratories, Mayo Clinic
Classification: Likely benign. Last evaluated: 2025-08-29. Review status: criteria provided, single submitter. Criteria: ACMG Guidelines, 2015. Collection method: clinical testing. Allele origin: germline. Observed: 3 variant alleles.
Comment: BP5

Blueprint Genetics
Classification: Likely benign. Last evaluated: 2024-04-17. Review status: criteria provided, single submitter. Criteria: ACMG Guidelines, 2015. Collection method: clinical testing. Allele origin: germline.

GeneDx
Classification: Likely benign. Last evaluated: 2019-04-18. Review status: criteria provided, single submitter. Criteria: GeneDx Variant Classification Process June 2021. Collection method: clinical testing. Allele origin: germline. Affected: yes.
Comment: This variant is associated with the following publications: (PMID: 30847666)

Eurofins Ntd Llc (ga)
Classification: Uncertain significance. Last evaluated: 2018-06-13. Review status: criteria provided, single submitter. Criteria: EGL ClinVar v180209 classification definitions. Collection method: clinical testing. Allele origin: germline. Observed: 1 variant allele, 1 heterozygote.

Illumina Laboratory Services, Illumina
Classification: Uncertain significance for Autosomal recessive limb-girdle muscular dystrophy type 2J. Last evaluated: 2018-01-13. Review status: criteria provided, single submitter. Criteria: ICSL Variant Classification Criteria 13 December 2019. Collection method: clinical testing. Allele origin: germline.

Illumina Laboratory Services, Illumina
Classification: Uncertain significance for Early-onset myopathy with fatal cardiomyopathy. Last evaluated: 2018-01-13. Review status: criteria provided, single submitter. Criteria: ICSL Variant Classification Criteria 13 December 2019. Collection method: clinical testing. Allele origin: germline.

Illumina Laboratory Services, Illumina
Classification: Benign for Tibial muscular dystrophy. Last evaluated: 2018-01-13. Review status: criteria provided, single submitter. Criteria: ICSL Variant Classification Criteria 13 December 2019. Collection method: clinical testing. Allele origin: germline.
Comment: This variant was observed in the ICSL laboratory as part of a predisposition screen in an ostensibly healthy population. It had not been previously curated by ICSL or reported in the Human Gene Mutation Database (HGMD: prior to June 1st, 2018), and was therefore a candidate for classification through an automated scoring system. Utilizing variant allele frequency, disease prevalence and penetrance estimates, and inheritance mode, an automated score was calculated to assess if this variant is too frequent to cause the disease. Based on the score and internal cut-off values, a variant classified as benign is not then subjected to further curation. The score for this variant resulted in a classification of benign for this disease.

Illumina Laboratory Services, Illumina
Classification: Uncertain significance for Dilated cardiomyopathy 1G. Last evaluated: 2018-01-13. Review status: criteria provided, single submitter. Criteria: ICSL Variant Classification Criteria 13 December 2019. Collection method: clinical testing. Allele origin: germline.

Illumina Laboratory Services, Illumina
Classification: Benign for Myopathy, myofibrillar, 9, with early respiratory failure. Last evaluated: 2018-01-13. Review status: criteria provided, single submitter. Criteria: ICSL Variant Classification Criteria 13 December 2019. Collection method: clinical testing. Allele origin: germline.
Comment: the same text as in the submission from Illumina Laboratory Services, Illumina above.

Labcorp Genetics (formerly Invitae), Labcorp
Classification: Uncertain significance for Dilated cardiomyopathy 1G; Autosomal recessive limb-girdle muscular dystrophy type 2J. Last evaluated: 2017-09-28. Review status: criteria provided, single submitter. Criteria: Invitae Variant Classification Sherloc (09022015). Collection method: clinical testing. Allele origin: germline.

Laboratory for Molecular Medicine, Mass General Brigham Personalized Medicine
Classification: Uncertain significance. Last evaluated: 2015-05-07. Review status: criteria provided, single submitter. Criteria: LMM Criteria. Collection method: clinical testing. Allele origin: germline. Observed: 1 variant allele.
Comment: The p.Arg9858His variant in TTN has not been previously reported in individuals with cardiomyopathy, but has been identified in 3/65538 European chromosomes, 2/ 16308 South Asian chromosomes, and 2/9664 African chromosomes by the Exome Aggre gation Consortium (ExAC; dbSNP rs368777046). Com putational prediction tools and conservation analysis do not provide strong supp ort for or against an impact to the protein. In summary, the clinical significan ce of the p.Arg9858His variant is uncertain.

Literature cited by the submitters: PubMed 30847666 (cited by Mayo Clinic Laboratories, Mayo Clinic).